The following is an entry in ClinVar:

NM_000553.6(WRN):c.3305A>C (p.Lys1102Thr)

Gene: WRN (WRN RecQ like helicase; plus strand). Cytogenetic location: 8p12.
Variant type: single nucleotide variant.
Coding change: c.3305A>C on transcript NM_000553.6 (MANE Select); coding-DNA position 3305, A replaced by C.
Protein change: p.Lys1102Thr; replaces lysine 1102 with threonine.
Molecular consequence: missense variant.
Genome position (GRCh38, 1-based): chr8:31,142,697, A>C. VCF-style: chr8-31142697-A-C. GRCh37 (hg19) VCF-style: chr8-31000213-A-C.
Other names: short protein forms K1102T.
Identifiers: ClinVar variation 662512 (VCV000662512.4), dbSNP rs1585516428, ClinGen allele CA370923516.

ClinVar aggregate classification (germline): Uncertain significance (1 of 4 stars; one submission).

Conditions:
Werner syndrome (WRN). Identifiers: Orphanet 902, MedGen C0043119, MONDO:0010196, OMIM 277700.

Submission:

Labcorp Genetics (formerly Invitae), Labcorp
Classification: Uncertain significance for Werner syndrome. Last evaluated: 2018-09-01. Review status: criteria provided, single submitter. Criteria: Invitae Variant Classification Sherloc (09022015). Collection method: clinical testing. Allele origin: germline.
Comment: This sequence change replaces lysine with threonine at codon 1102 of the WRN protein (p.Lys1102Thr). The lysine residue is moderately conserved and there is a moderate physicochemical difference between lysine and threonine. This variant is not present in population databases (ExAC no frequency). This variant has not been reported in the literature in individuals with WRN-related disease. Algorithms developed to predict the effect of missense changes on protein structure and function are either unavailable or do not agree on the potential impact of this missense change (SIFT: "Deleterious"; PolyPhen-2: "Possibly Damaging"; Align-GVGD: "Class C0"). In summary, the available evidence is currently insufficient to determine the role of this variant in disease. Therefore, it has been classified as a Variant of Uncertain Significance.